The following is an entry in ClinVar:

NM_001190274.2(FBXO11):c.2749C>T (p.Pro917Ser)

Genes: FBXO11 (F-box protein 11; minus strand), MSH6 (mutS homolog 6; plus strand). Cytogenetic location: 2p16.3.
Variant type: single nucleotide variant.
Coding change: c.2749C>T on transcript NM_001190274.2 (MANE Select); coding-DNA position 2749, C replaced by T.
Protein change: p.Pro917Ser; replaces proline 917 with serine.
Molecular consequence: missense variant.
Genome position (GRCh38, 1-based): chr2:47,808,153, G>A on the plus strand (C>T on the coding strand, the complement: FBXO11 is on the minus strand). VCF-style: chr2-47808153-G-A. GRCh37 (hg19) VCF-style: chr2-48035292-G-A.
Other names: c.2497C>T, p.Pro833Ser (NM_001374325.1, NM_025133.4); short protein forms P917S, P833S.
Identifiers: ClinVar variation 1496087 (VCV001496087.6), dbSNP rs780755413, ClinGen allele CA067453.
Genomic context (GRCh38, chr2:47,808,153, plus strand): 5'-AGGACTTTTTCTTTAGGGAAGGAATTCAGTTGTGCTGCAATGTATTAGATTCTATAGGTG[G>A]AGCAGAGTCATATAGTGTATCTGTATCATGTGTAGGCTCACCAGCTAATGTACAAGGATT-3'
Protein context (NP_001177203.1, residues 907-927): HDTDTLYDSA[Pro917Ser]PIESNTLQHN

ClinVar aggregate classification (germline): Uncertain significance (1 of 4 stars; one submission).

Allele frequency attached by ClinVar (database versions not stated): gnomAD exomes below 0.00001; ExAC 0.00001.
gnomAD v4.1: 1 of 1,613,100 alleles (0.000062%); highest among the groups gnomAD compares: Non-Finnish European, 0.000085%; no homozygotes.

Submission:

Labcorp Genetics (formerly Invitae), Labcorp
Classification: Uncertain significance. Last evaluated: 2021-08-05. Review status: criteria provided, single submitter. Criteria: Invitae Variant Classification Sherloc (09022015). Collection method: clinical testing. Allele origin: germline.
Comment: In summary, the available evidence is currently insufficient to determine the role of this variant in disease. Therefore, it has been classified as a Variant of Uncertain Significance. Algorithms developed to predict the effect of missense changes on protein structure and function (SIFT, PolyPhen-2, Align-GVGD) all suggest that this variant is likely to be tolerated. This variant has not been reported in the literature in individuals affected with FBXO11-related conditions. This variant is present in population databases (rs780755413, ExAC 0.001%). This sequence change replaces proline with serine at codon 917 of the FBXO11 protein (p.Pro917Ser). The proline residue is highly conserved and there is a moderate physicochemical difference between proline and serine.